The following is an entry in ClinVar:

ClinVar aggregate classification (germline): Uncertain significance (1 of 4 stars; one submission).

Conditions:
Tuberous sclerosis 2 (TSC2). Identifiers: Orphanet 805, MedGen C1860707, MONDO:0013199, OMIM 613254.

gnomAD v4.1: 2 of 1,550,650 alleles (0.00013%); highest among the groups gnomAD compares: African/African-American, 0.0014%; no homozygotes.

Submission:

Labcorp Genetics (formerly Invitae), Labcorp
Classification: Uncertain significance for Tuberous sclerosis 2. Last evaluated: 2021-03-23. Review status: criteria provided, single submitter. Criteria: Invitae Variant Classification Sherloc (09022015). Collection method: clinical testing. Allele origin: germline.
Comment: Advanced modeling of protein sequence and biophysical properties (such as structural, functional, and spatial information, amino acid conservation, physicochemical variation, residue mobility, and thermodynamic stability) performed at Invitae indicates that this missense variant is not expected to disrupt TSC2 protein function. This variant has not been reported in the literature in individuals with TSC2-related conditions. This variant is not present in population databases (ExAC no frequency). This sequence change replaces glutamic acid with aspartic acid at codon 456 of the TSC2 protein (p.Glu456Asp). The glutamic acid residue is highly conserved and there is a small physicochemical difference between glutamic acid and aspartic acid. In summary, the available evidence is currently insufficient to determine the role of this variant in disease. Therefore, it has been classified as a Variant of Uncertain Significance.

NM_000548.5(TSC2):c.1368G>C (p.Glu456Asp)

Gene: TSC2 (TSC complex subunit 2; plus strand). Cytogenetic location: 16p13.3.
Variant type: single nucleotide variant.
Coding change: c.1368G>C on transcript NM_000548.5 (MANE Select); coding-DNA position 1368, G replaced by C.
Protein change: p.Glu456Asp; replaces glutamic acid 456 with aspartic acid.
Molecular consequence: missense variant.
Genome position (GRCh38, 1-based): chr16:2,062,978, G>C. VCF-style: chr16-2062978-G-C. GRCh37 (hg19) VCF-style: chr16-2112979-G-C.
Other names: c.1368G>C, p.Glu456Asp (NM_001077183.3, NM_001114382.3, NM_001363528.2 and 3 more transcripts); c.1257G>C, p.Glu419Asp (NM_001318827.2); c.1221G>C, p.Glu407Asp (NM_001318829.2); c.768G>C, p.Glu256Asp (NM_001318831.2); c.1401G>C, p.Glu467Asp (NM_001318832.2); short protein forms E407D, E256D, E419D, E467D, E456D.
Identifiers: ClinVar variation 1518397 (VCV001518397.8), dbSNP rs2151170835, ClinGen allele CA394323600.